The following is an entry in ClinVar:

NM_001510.4(GRID2):c.1099C>T (p.Arg367Cys)

Gene: GRID2 (glutamate ionotropic receptor delta type subunit 2; plus strand). Cytogenetic location: 4q22.2.
Variant type: single nucleotide variant.
Coding change: c.1099C>T on transcript NM_001510.4 (MANE Select); coding-DNA position 1099, C replaced by T.
Protein change: p.Arg367Cys; replaces arginine 367 with cysteine.
Molecular consequence: missense variant.
Genome position (GRCh38, 1-based): chr4:93,224,749, C>T. VCF-style: chr4-93224749-C-T. GRCh37 (hg19) VCF-style: chr4-94145900-C-T.
Other names: c.814C>T, p.Arg272Cys (NM_001286838.1); short protein forms R272C, R367C.
Identifiers: ClinVar variation 1932578 (VCV001932578.5), dbSNP rs544360335, ClinGen allele CA3012155.

ClinVar aggregate classification (germline): Uncertain significance (1 of 4 stars; one submission).

Allele frequency attached by ClinVar (database versions not stated): ExAC 0.00001; gnomAD exomes 0.00001; gnomAD 0.00002; 1000 Genomes Project 30x 0.00016; 1000 Genomes Project 0.00020.
gnomAD v4.1: 17 of 1,612,596 alleles (0.0011%); highest among the groups gnomAD compares: African/African-American, 0.0027%; no homozygotes.

Submission:

Labcorp Genetics (formerly Invitae), Labcorp
Classification: Uncertain significance. Last evaluated: 2023-08-10. Review status: criteria provided, single submitter. Criteria: Invitae Variant Classification Sherloc (09022015). Collection method: clinical testing. Allele origin: germline.
Comment: In summary, the available evidence is currently insufficient to determine the role of this variant in disease. Therefore, it has been classified as a Variant of Uncertain Significance. Advanced modeling of protein sequence and biophysical properties (such as structural, functional, and spatial information, amino acid conservation, physicochemical variation, residue mobility, and thermodynamic stability) performed at Invitae indicates that this missense variant is not expected to disrupt GRID2 protein function. ClinVar contains an entry for this variant (Variation ID: 1932578). This variant has not been reported in the literature in individuals affected with GRID2-related conditions. This variant is present in population databases (rs544360335, gnomAD 0.004%). This sequence change replaces arginine, which is basic and polar, with cysteine, which is neutral and slightly polar, at codon 367 of the GRID2 protein (p.Arg367Cys).